The following is an entry in ClinVar:

NM_004370.6(COL12A1):c.4954A>G (p.Thr1652Ala)

Gene: COL12A1 (collagen type XII alpha 1 chain; minus strand). Cytogenetic location: 6q13.
Variant type: single nucleotide variant.
Coding change: c.4954A>G on transcript NM_004370.6 (MANE Select); coding-DNA position 4954, A replaced by G.
Protein change: p.Thr1652Ala; replaces threonine 1652 with alanine.
Molecular consequence: missense variant.
Genome position (GRCh38, 1-based): chr6:75,142,035, T>C on the plus strand (A>G on the coding strand, the complement: COL12A1 is on the minus strand). VCF-style: chr6-75142035-T-C. GRCh37 (hg19) VCF-style: chr6-75851751-T-C.
Other names: c.4954A>G, p.Thr1652Ala (NM_001424113.1, NM_001424114.1); c.4681A>G, p.Thr1561Ala (NM_001424115.1); c.1462A>G, p.Thr488Ala (NM_001424116.1, NM_080645.3); c.4954A>G (NM_004370.5); short protein forms T1561A, T1652A, T488A.
Identifiers: ClinVar variation 4792676 (VCV004792676.2).

ClinVar aggregate classification (germline): Uncertain significance. Review status: criteria provided, multiple submitters, no conflicts (2 of 4 stars). 2 submissions from 2 submitters: Uncertain significance (2). Last evaluated 2026-03-23.

Conditions:
Ullrich congenital muscular dystrophy 2 (UCMD2). Identifiers: Orphanet 75840, MedGen C4225314, MONDO:0014654, OMIM 616470.
Bethlem myopathy 2 (BTHLM2). Identifiers: Orphanet 536516, Orphanet 610, MedGen C4225313, MONDO:0034022, OMIM 616471.

gnomAD v4.1: 4 of 1,614,058 alleles (0.00025%); highest among the groups gnomAD compares: Non-Finnish European, 0.00034%; no homozygotes.

Submissions (2):

GeneDx
Classification: Uncertain significance. Last evaluated: 2026-03-23. Review status: criteria provided, single submitter. Criteria: GeneDx Variant Classification Process June 2021. Collection method: clinical testing. Allele origin: germline.
Comment: Not observed at significant frequency in large population cohorts (gnomAD); In silico analysis supports that this missense variant has a deleterious effect on protein structure/function; Has not been previously published as pathogenic or benign to our knowledge

Labcorp Genetics (formerly Invitae), Labcorp
Classification: Uncertain significance for Bethlem myopathy 2; Ullrich congenital muscular dystrophy 2. Last evaluated: 2025-09-02. Review status: criteria provided, single submitter. Criteria: Invitae Variant Classification Sherloc (09022015). Collection method: clinical testing. Allele origin: germline.
Comment: This sequence change replaces threonine, which is neutral and polar, with alanine, which is neutral and non-polar, at codon 1652 of the COL12A1 protein (p.Thr1652Ala). This variant is not present in population databases (gnomAD no frequency). This variant has not been reported in the literature in individuals affected with COL12A1-related conditions. Invitae Evidence Modeling of protein sequence and biophysical properties (such as structural, functional, and spatial information, amino acid conservation, physicochemical variation, residue mobility, and thermodynamic stability) indicates that this missense variant is not expected to disrupt COL12A1 protein function with a negative predictive value of 80%. In summary, the available evidence is currently insufficient to determine the role of this variant in disease. Therefore, it has been classified as a Variant of Uncertain Significance.